The following is an entry in ClinVar:

NM_001393578.1(MRGPRX1):c.598A>G (p.Ile200Val)

Gene: MRGPRX1 (MAS related GPR family member X1; minus strand). Cytogenetic location: 11p15.1.
Variant type: single nucleotide variant.
Coding change: c.598A>G on transcript NM_001393578.1 (MANE Select); coding-DNA position 598, A replaced by G.
Protein change: p.Ile200Val; replaces isoleucine 200 with valine.
Molecular consequence: missense variant.
Genome position (GRCh38, 1-based): chr11:18,934,187, T>C on the plus strand (A>G on the coding strand, the complement: MRGPRX1 is on the minus strand). VCF-style: chr11-18934187-T-C. GRCh37 (hg19) VCF-style: chr11-18955734-T-C.
Other names: c.598A>G, p.Ile200Val (NM_147199.4); short protein forms I200V.
Identifiers: ClinVar variation 2641672 (VCV002641672.24), dbSNP rs200061528, ClinGen allele CA5915469.
Genomic context (GRCh38, chr11:18,934,187, plus strand): 5'-GCAGGATGGTCACGTACAGCCTGGTCAGCGGTATCTTCCGGGATCCACAGAGAATCCTGA[T>C]CAGCAGGACCAGGCTGGACCCACAGAGAACCACACATAAAAAAATCAGCCACGCGACTGT-3'
Protein context (NP_001380507.1, residues 190-210): VLCGSSLVLL[Ile200Val]RILCGSRKIP

ClinVar aggregate classification (germline): Likely benign (1 of 4 stars; one submission).

Allele frequency attached by ClinVar (database versions not stated): ESP Exome Variant Server 0.00031; ExAC 0.00091; gnomAD exomes 0.00172; 1000 Genomes Project 30x 0.00187; gnomAD 0.00214.
gnomAD v4.1: 2,853 of 1,607,696 alleles (0.18%); highest among the groups gnomAD compares: Admixed American, 0.4%; 128 homozygotes.

Submission:

CeGaT Center for Human Genetics Tuebingen
Classification: Likely benign. Last evaluated: 2026-04-01. Review status: criteria provided, single submitter. Criteria: CeGaT Center For Human Genetics Tuebingen Variant Classification Criteria Version 2. Collection method: clinical testing. Allele origin: germline. Affected: yes. Observed: 3 variant alleles.
Comment: MRGPRX1: BP4, BS2